The following is an entry in ClinVar:

NM_000179.3(MSH6):c.4002-8A>T

Genes: FBXO11 (F-box protein 11; minus strand), MSH6 (mutS homolog 6; plus strand). Cytogenetic location: 2p16.3.
Variant type: single nucleotide variant.
Coding change: c.4002-8A>T on transcript NM_000179.3 (MANE Select); 8 bases into the intron before coding-DNA position 4002, A replaced by T.
Molecular consequence: intron variant.
Genome position (GRCh38, 1-based): chr2:47,806,771, A>T. VCF-style: chr2-47806771-A-T. GRCh37 (hg19) VCF-style: chr2-48033910-A-T.
Other names: c.3096-8A>T (NM_001281493.2, NM_001281494.2); c.3612-8A>T (NM_001281492.2).
Identifiers: ClinVar variation 234447 (VCV000234447.17), dbSNP rs778957100, ClinGen allele CA072769.
Genomic context (GRCh38, chr2:47,806,771, plus strand): 5'-AAAAGGGGAAGGGATGATGCACTATGAAAAAACAAAAAAACTTTTTTTTTTTTTTTTTTA[A>T]TTTTAAGGGAAGTTTGCCTGGCTAGTGAAAGGTCAACTGTAGATGCTGAAGCTGTCCATA-3'

ClinVar aggregate classification (germline): Benign/Likely benign. Review status: criteria provided, multiple submitters, no conflicts (2 of 4 stars). 6 submissions from 5 submitters: Benign (2); Likely benign (4). Last evaluated 2025-10-13.

Conditions:
Hereditary nonpolyposis colorectal neoplasms. Identifiers: MedGen C0009405, MeSH D003123.
Intellectual developmental disorder with dysmorphic facies and behavioral abnormalities. Identifiers: MedGen C4748135, MONDO:0060760, OMIM 618089.
Lynch syndrome 5 (LYNCH5). Also called: Colorectal cancer, hereditary nonpolyposis, type 5; Hereditary non-polyposis colorectal cancer, type 5. Identifiers: Orphanet 144, MedGen C1833477, MONDO:0013710, OMIM 614350. Disease mechanism: loss of function.

Submissions (12):

Labcorp Genetics (formerly Invitae), Labcorp
Classification: Likely benign for Hereditary nonpolyposis colorectal neoplasms. Last evaluated: 2025-10-13. Review status: criteria provided, single submitter. Criteria: Invitae Variant Classification Sherloc (09022015). Collection method: clinical testing. Allele origin: germline.

KCCC/NGS Laboratory, Kuwait Cancer Control Center
Classification: Benign for Intellectual developmental disorder with dysmorphic facies and behavioral abnormalities. Last evaluated: 2025-02-01. Review status: criteria provided, single submitter. Criteria: ACMG Guidelines, 2015. Collection method: clinical testing. Allele origin: germline. Affected: no.

Myriad Genetics, Inc.
Classification: Likely benign for Lynch syndrome 5. Last evaluated: 2025-01-09. Review status: criteria provided, single submitter. Criteria: Myriad Autosomal Dominant, Autosomal Recessive and X-Linked Classification Criteria (2023). Collection method: clinical testing. Allele origin: unknown.
Comment: This variant is considered likely benign. This variant is intronic and is not expected to impact mRNA splicing.

KCCC/NGS Laboratory, Kuwait Cancer Control Center
Classification: Likely benign for Lynch syndrome 5. Last evaluated: 2023-07-07. Review status: criteria provided, single submitter. Criteria: ACMG Guidelines, 2015. Collection method: clinical testing. Allele origin: germline. Affected: yes.

Quest Diagnostics Nichols Institute San Juan Capistrano
Classification: Benign. Last evaluated: 2020-11-11. Review status: criteria provided, single submitter. Criteria: Quest Diagnostics criteria. Collection method: clinical testing. Allele origin: unknown.

GeneDx
Classification: Likely benign. Last evaluated: 2018-03-13. Review status: criteria provided, single submitter. Criteria: GeneDx Variant Classification (06012015). Collection method: clinical testing. Allele origin: germline. Affected: yes.
Comment: This variant is considered likely benign or benign based on one or more of the following criteria: it is a conservative change, it occurs at a poorly conserved position in the protein, it is predicted to be benign by multiple in silico algorithms, and/or has population frequency not consistent with disease.

Dr. Peter K. Rogan Lab, Western University
No classification provided (evidence only). Condition: Familial cancer of breast. Review status: no classification provided. Collection method: in vitro. Allele origin: not applicable. Functional consequence: retained intron. Not counted in ClinVar's aggregate classification.

Dr. Peter K. Rogan Lab, Western University
No classification provided (evidence only). Condition: Familial cancer of breast. Review status: no classification provided. Collection method: in vitro. Allele origin: not applicable. Functional consequence: retained intron. Not counted in ClinVar's aggregate classification.

Dr. Peter K. Rogan Lab, Western University
No classification provided (evidence only). Condition: Acute myeloid leukemia. Review status: no classification provided. Collection method: in vitro. Allele origin: not applicable. Functional consequence: retained intron. Not counted in ClinVar's aggregate classification.

Dr. Peter K. Rogan Lab, Western University
No classification provided (evidence only). Condition: Acute myeloid leukemia. Review status: no classification provided. Collection method: in vitro. Allele origin: not applicable. Functional consequence: retained intron. Not counted in ClinVar's aggregate classification.

Dr. Peter K. Rogan Lab, Western University
No classification provided (evidence only). Condition: Acute myeloid leukemia. Review status: no classification provided. Collection method: in vitro. Allele origin: not applicable. Functional consequence: retained intron. Not counted in ClinVar's aggregate classification.

Dr. Peter K. Rogan Lab, Western University
No classification provided (evidence only). Condition: Acute myeloid leukemia. Review status: no classification provided. Collection method: in vitro. Allele origin: not applicable. Functional consequence: retained intron. Not counted in ClinVar's aggregate classification.